The following is an entry in ClinVar:

ClinVar aggregate classification (germline): Likely benign (1 of 4 stars; one submission).

Conditions:
Platelet-type bleeding disorder 17 (BDPLT17). Also called: Thrombasthenia-thrombocytopenia, hereditary. Identifiers: Orphanet 721, MedGen C1861194, MONDO:0008553, OMIM 187900.

Submission:

ISTH-SSC Genomics in Thrombosis and Hemostasis, KU Leuven, Center for Molecular and Vascular Biology
Classification: Likely benign for Platelet-type bleeding disorder 17. Review status: criteria provided, single submitter. Criteria: ACMG Guidelines, 2015. Collection method: clinical testing. Allele origin: germline. Affected: yes. Observed: 1 heterozygote.
Comment: Submitted to the GoldVariant database by Dr Marie-Christine Morel-Kopp; Northern Blood Research Centre, Sydney, Australia

NM_001377304.1(GFI1B):c.782C>G (p.Ser261Cys)

Gene: GFI1B (growth factor independent 1B transcriptional repressor; plus strand). Cytogenetic location: 9q34.13.
Variant type: single nucleotide variant.
Coding change: c.782C>G on transcript NM_001377304.1 (MANE Select); coding-DNA position 782, C replaced by G.
Protein change: p.Ser261Cys; replaces serine 261 with cysteine.
Molecular consequence: missense variant.
Genome position (GRCh38, 1-based): chr9:132,989,875, C>G. VCF-style: chr9-132989875-C-G. GRCh37 (hg19) VCF-style: chr9-135865262-C-G.
Other names: c.644C>G, p.Ser215Cys (NM_001135031.2, NM_001377305.1); c.848C>G, p.Ser283Cys (NM_001371908.1); c.782C>G, p.Ser261Cys (NM_004188.8); short protein forms S215C, S261C, S283C.
Identifiers: ClinVar variation 2572114 (VCV002572114.1), dbSNP rs866282944, ClinGen allele CA375380698.